The following is an entry in ClinVar:

ClinVar aggregate classification (germline): Uncertain significance (1 of 4 stars; one submission).

Submission:

Labcorp Genetics (formerly Invitae), Labcorp
Classification: Uncertain significance. Last evaluated: 2023-06-18. Review status: criteria provided, single submitter. Criteria: Invitae Variant Classification Sherloc (09022015). Collection method: clinical testing. Allele origin: germline.
Comment: Advanced modeling of protein sequence and biophysical properties (such as structural, functional, and spatial information, amino acid conservation, physicochemical variation, residue mobility, and thermodynamic stability) performed at Invitae indicates that this missense variant is not expected to disrupt XRCC2 protein function. ClinVar contains an entry for this variant (Variation ID: 1505630). This variant has not been reported in the literature in individuals affected with XRCC2-related conditions. This variant is not present in population databases (gnomAD no frequency). This sequence change replaces leucine, which is neutral and non-polar, with valine, which is neutral and non-polar, at codon 143 of the XRCC2 protein (p.Leu143Val). In summary, the available evidence is currently insufficient to determine the role of this variant in disease. Therefore, it has been classified as a Variant of Uncertain Significance.

NM_005431.2(XRCC2):c.427C>G (p.Leu143Val)

Gene: XRCC2 (X-ray repair cross complementing 2; minus strand). Cytogenetic location: 7q36.1.
Variant type: single nucleotide variant.
Coding change: c.427C>G on transcript NM_005431.2 (MANE Select); coding-DNA position 427, C replaced by G.
Protein change: p.Leu143Val; replaces leucine 143 with valine.
Molecular consequence: missense variant.
Genome position (GRCh38, 1-based): chr7:152,649,058, G>C on the plus strand (C>G on the coding strand, the complement: XRCC2 is on the minus strand). VCF-style: chr7-152649058-G-C. GRCh37 (hg19) VCF-style: chr7-152346143-G-C.
Other names: short protein forms L143V.
Identifiers: ClinVar variation 1505630 (VCV001505630.8), dbSNP rs2116987885, ClinGen allele CA370198721.